The following is an entry in ClinVar:

ClinVar aggregate classification (germline): Pathogenic (1 of 4 stars; one submission).

Conditions:
Autosomal recessive nonsyndromic hearing loss 28. Identifiers: Orphanet 90636, MedGen C1853276, MONDO:0012355, OMIM 609823.

Submission:

Institute of Rare Diseases, West China Hospital, Sichuan University
Classification: Pathogenic for Autosomal recessive nonsyndromic hearing loss 28. Last evaluated: 2025-01-09. Review status: criteria provided, single submitter. Criteria: ClinGen HL ACMG Specifications v1. Collection method: research. Allele origin: germline. Affected: yes.
Comment: PVS1;PM3_Supporting;PM2_Supporting

NM_001039141.3(TRIOBP):c.3011del (p.Leu1004fs)

Gene: TRIOBP (TRIO and F-actin binding protein; plus strand). Cytogenetic location: 22q13.1.
Variant type: Deletion.
Coding change: c.3011del on transcript NM_001039141.3 (MANE Select); coding-DNA position 3011, one base deleted (T; older notation c.3011delT).
Protein change: p.Leu1004fs; shifts the reading frame from leucine 1004.
Molecular consequence: frameshift variant.
Genome position (GRCh38, 1-based): chr22:37,725,567, T deleted. VCF-style (leftmost placement, unchanged base first): chr22-37725566-CT-C. GRCh37 (hg19) VCF-style: chr22-38121573-CT-C.
Other names: short protein forms L1004fs.
Identifiers: ClinVar variation 3601953 (VCV003601953.1).
Genomic context (GRCh38, chr22:37,725,566, plus strand): 5'-GGCCACCAGAGCACCTCCCGAACTTCCTCACCTGTGTACCCCGCTGCCTATGGGGCTCCC[CT>C]GACCTCTCCTGAGCCCTCCCAGCCTCCATGTGCTGTGTGCATTGGGCACCGGGATGCCCC-3'